The following is an entry in ClinVar:

NM_001367624.2(ZNF469):c.10501A>G (p.Ser3501Gly)

Gene: ZNF469 (zinc finger protein 469; plus strand). Cytogenetic location: 16q24.2.
Variant type: single nucleotide variant.
Coding change: c.10501A>G on transcript NM_001367624.2 (MANE Select); coding-DNA position 10501, A replaced by G.
Protein change: p.Ser3501Gly; replaces serine 3501 with glycine.
Molecular consequence: missense variant.
Genome position (GRCh38, 1-based): chr16:88,437,971, A>G. VCF-style: chr16-88437971-A-G. GRCh37 (hg19) VCF-style: chr16-88504379-A-G.
Other names: NM_001127464.1:c.10417A>G; short protein forms S3501G.
Identifiers: ClinVar variation 4866954 (VCV004866954.1).

ClinVar aggregate classification (germline): Uncertain significance (1 of 4 stars; one submission).

Conditions:
Cardiovascular phenotype. Identifiers: MedGen CN230736.

gnomAD v4.1: 1 of 1,547,212 alleles (0.000065%); highest among the groups gnomAD compares: African/African-American, 0.0014%; no homozygotes.

Submission:

Ambry Genetics
Classification: Uncertain significance for Cardiovascular phenotype. Last evaluated: 2026-04-23. Review status: criteria provided, single submitter. Criteria: Ambry Variant Classification Scheme 2023. Collection method: clinical testing. Allele origin: germline.
Comment: The p.S3473G variant (also known as c.10417A>G), located in coding exon 2 of the ZNF469 gene, results from an A to G substitution at nucleotide position 10417. The serine at codon 3473 is replaced by glycine, an amino acid with similar properties. This amino acid position is conserved. In addition, this alteration is predicted to be tolerated by in silico analysis. Based on the available evidence, the clinical significance of this variant remains unclear.